The following is an entry in ClinVar:

ClinVar aggregate classification (germline): Likely pathogenic (1 of 4 stars; one submission).

Conditions:
Autosomal recessive limb-girdle muscular dystrophy type 2A (LGMDR1). Also called: LEYDEN-MOEBIUS MUSCULAR DYSTROPHY; MUSCULAR DYSTROPHY, PELVOFEMORAL; Limb-girdle muscular dystrophy, type 2A; Muscular dystrophy, limb-girdle, type 2A, Amish; Calpainopathy. Identifiers: Orphanet 267, MedGen C1869123, MONDO:0009675, OMIM 253600. Disease mechanism: loss of function.

Submission:

Kariminejad - Najmabadi Pathology & Genetics Center
Classification: Likely pathogenic for Autosomal recessive limb-girdle muscular dystrophy type 2A. Last evaluated: 2024-02-24. Review status: criteria provided, single submitter. Criteria: ACMG Guidelines, 2015. Collection method: clinical testing. Allele origin: germline. Inheritance: Autosomal recessive inheritance. Affected: yes.
Comment: PVS1(Very Strong),PM2

NM_000070.3(CAPN3):c.499-1G>C

Gene: CAPN3 (calpain 3; plus strand). Cytogenetic location: 15q15.1.
Variant type: single nucleotide variant.
Coding change: c.499-1G>C on transcript NM_000070.3 (MANE Select); the canonical splice acceptor site of the intron before coding-DNA position 499, G replaced by C.
Molecular consequence: splice acceptor variant.
Genome position (GRCh38, 1-based): chr15:42,387,752, G>C. VCF-style: chr15-42387752-G-C. GRCh37 (hg19) VCF-style: chr15-42679950-G-C.
Other names: c.499-1G>C (NM_024344.2, NM_173087.2).
Identifiers: ClinVar variation 3896792 (VCV003896792.1).